The following is an entry in ClinVar:

ClinVar aggregate classification (germline): Uncertain significance (1 of 4 stars; one submission).

Submission:

Mayo Clinic Laboratories, Mayo Clinic
Classification: Uncertain significance. Last evaluated: 2025-06-06. Review status: criteria provided, single submitter. Criteria: ACMG Guidelines, 2015. Collection method: clinical testing. Allele origin: germline. Observed: 1 variant allele.
Comment: PM2_supporting

NM_001267550.2(TTN):c.75172T>C (p.Phe25058Leu)

Genes: TTN (titin; minus strand), TTN-AS1 (TTN antisense RNA 1; plus strand). Cytogenetic location: 2q31.2.
Variant type: single nucleotide variant.
Coding change: c.75172T>C on transcript NM_001267550.2 (MANE Select); coding-DNA position 75172, T replaced by C.
Protein change: p.Phe25058Leu; replaces phenylalanine 25058 with leucine.
Molecular consequence: missense variant.
Genome position (GRCh38, 1-based): chr2:178,570,960, A>G on the plus strand (T>C on the coding strand, the complement: TTN is on the minus strand). VCF-style: chr2-178570960-A-G. GRCh37 (hg19) VCF-style: chr2-179435687-A-G.
Other names: p.Phe22490Leu; c.47977T>C, p.Phe15993Leu (NM_003319.4); c.67468T>C, p.Phe22490Leu (NM_133378.4); c.48352T>C, p.Phe16118Leu (NM_133432.3); c.48553T>C, p.Phe16185Leu (NM_133437.4); c.70249T>C, p.Phe23417Leu (NM_001256850.1); short protein forms F15993L, F16185L, F16118L, F22490L, F23417L, F25058L.
Identifiers: ClinVar variation 4540720 (VCV004540720.1).